The following is an entry in ClinVar:

NM_031443.4(CCM2):c.989C>T (p.Ser330Phe)

Gene: CCM2 (CCM2 scaffold protein; plus strand). Cytogenetic location: 7p13.
Variant type: single nucleotide variant.
Coding change: c.989C>T on transcript NM_031443.4 (MANE Select); coding-DNA position 989, C replaced by T.
Protein change: p.Ser330Phe; replaces serine 330 with phenylalanine.
Molecular consequence: missense variant. On other transcripts: non-coding transcript variant (1).
Genome position (GRCh38, 1-based): chr7:45,074,343, C>T. VCF-style: chr7-45074343-C-T. GRCh37 (hg19) VCF-style: chr7-45113942-C-T.
Other names: c.1052C>T, p.Ser351Phe (NM_001029835.2); c.815C>T, p.Ser272Phe (NM_001167934.2); c.716C>T, p.Ser239Phe (NM_001167935.2); c.1112C>T, p.Ser371Phe (NM_001363458.2); c.938C>T, p.Ser313Phe (NM_001363459.2); short protein forms S371F, S239F, S313F, S330F, S351F, S272F.
Identifiers: ClinVar variation 1428114 (VCV001428114.6), dbSNP rs779374000, ClinGen allele CA4247228.

ClinVar aggregate classification (germline): Uncertain significance (1 of 4 stars; one submission).

Conditions:
Cerebral cavernous malformation 2. Also called: Familial Cerebral Cavernous Malformation 2. Identifiers: Orphanet 221061, MedGen C1864041, MONDO:0011304, OMIM 603284.

Allele frequency attached by ClinVar (database versions not stated): gnomAD exomes below 0.00001 and 0.00001; ExAC 0.00001.
gnomAD v4.1: 4 of 1,613,820 alleles (0.00025%); highest among the groups gnomAD compares: Non-Finnish European, 0.00034%; no homozygotes.

Submission:

Labcorp Genetics (formerly Invitae), Labcorp
Classification: Uncertain significance for Cerebral cavernous malformation 2. Last evaluated: 2025-10-09. Review status: criteria provided, single submitter. Criteria: Invitae Variant Classification Sherloc (09022015). Collection method: clinical testing. Allele origin: germline.
Comment: This sequence change replaces serine, which is neutral and polar, with phenylalanine, which is neutral and non-polar, at codon 330 of the CCM2 protein (p.Ser330Phe). This variant is present in population databases (rs779374000, gnomAD 0.0009%). This variant has not been reported in the literature in individuals affected with CCM2-related conditions. ClinVar contains an entry for this variant (Variation ID: 1428114). Invitae Evidence Modeling of protein sequence and biophysical properties (such as structural, functional, and spatial information, amino acid conservation, physicochemical variation, residue mobility, and thermodynamic stability) indicates that this missense variant is not expected to disrupt CCM2 protein function with a negative predictive value of 80%. In summary, the available evidence is currently insufficient to determine the role of this variant in disease. Therefore, it has been classified as a Variant of Uncertain Significance.